The following is an entry in ClinVar:

ClinVar aggregate classification (germline): Uncertain significance (1 of 4 stars; one submission).

Conditions:
Immunodeficiency. Identifiers: MedGen C0021051, MONDO:0021094, HP:0002721.

gnomAD v4.1: 7 of 1,614,248 alleles (0.00043%); highest among the groups gnomAD compares: Non-Finnish European, 0.00059%; no homozygotes.

Submission:

Labcorp Genetics (formerly Invitae), Labcorp
Classification: Uncertain significance for Immunodeficiency. Last evaluated: 2024-04-25. Review status: criteria provided, single submitter. Criteria: Invitae Variant Classification Sherloc (09022015). Collection method: clinical testing. Allele origin: germline.
Comment: This sequence change replaces glutamine, which is neutral and polar, with histidine, which is basic and polar, at codon 875 of the NFAT5 protein (p.Gln875His). This variant is not present in population databases (gnomAD no frequency). This variant has not been reported in the literature in individuals affected with NFAT5-related conditions. An algorithm developed to predict the effect of missense changes on protein structure and function (PolyPhen-2) suggests that this variant is likely to be disruptive. In summary, the available evidence is currently insufficient to determine the role of this variant in disease. Therefore, it has been classified as a Variant of Uncertain Significance.

NM_138713.4(NFAT5):c.2907G>T (p.Gln969His)

Gene: NFAT5 (nuclear factor of activated T cells 5; plus strand). Cytogenetic location: 16q22.1.
Variant type: single nucleotide variant.
Coding change: c.2907G>T on transcript NM_138713.4 (MANE Select); coding-DNA position 2907, G replaced by T.
Protein change: p.Gln969His; replaces glutamine 969 with histidine.
Molecular consequence: missense variant.
Genome position (GRCh38, 1-based): chr16:69,692,732, G>T. VCF-style: chr16-69692732-G-T. GRCh37 (hg19) VCF-style: chr16-69726635-G-T.
Other names: c.2904G>T, p.Gln968His (NM_001113178.3); c.2232G>T, p.Gln744His (NM_001367709.1); c.2853G>T, p.Gln951His (NM_006599.4); c.2625G>T, p.Gln875His (NM_138714.4, NM_173214.3, NM_173215.3); short protein forms Q968H, Q951H, Q744H, Q875H, Q969H.
Identifiers: ClinVar variation 3650780 (VCV003650780.2).